The following is an entry in ClinVar:

ClinVar aggregate classification (germline): Uncertain significance (1 of 4 stars; one submission).

Conditions:
Charcot-Marie-Tooth disease axonal type 2P. Also called: CHARCOT-MARIE-TOOTH NEUROPATHY, TYPE 2P; Charcot-Marie-Tooth Neuropathy Type 2G; CHARCOT-MARIE-TOOTH DISEASE, AXONAL, TYPE 2G; CMT 2G. Identifiers: Orphanet 300319, Orphanet 99941, MedGen C3280797, MONDO:0013753, OMIM 614436.

gnomAD v4.1: 6 of 1,612,566 alleles (0.00037%); highest among the groups gnomAD compares: Non-Finnish European, 0.00051%; no homozygotes.

Submission:

Labcorp Genetics (formerly Invitae), Labcorp
Classification: Uncertain significance for Charcot-Marie-Tooth disease axonal type 2P. Last evaluated: 2025-03-31. Review status: criteria provided, single submitter. Criteria: Invitae Variant Classification Sherloc (09022015). Collection method: clinical testing. Allele origin: germline.
Comment: This sequence change replaces leucine, which is neutral and non-polar, with isoleucine, which is neutral and non-polar, at codon 317 of the LRSAM1 protein (p.Leu317Ile). This variant is not present in population databases (gnomAD no frequency). This variant has not been reported in the literature in individuals affected with LRSAM1-related conditions. Invitae Evidence Modeling of protein sequence and biophysical properties (such as structural, functional, and spatial information, amino acid conservation, physicochemical variation, residue mobility, and thermodynamic stability) indicates that this missense variant is not expected to disrupt LRSAM1 protein function with a negative predictive value of 80%. In summary, the available evidence is currently insufficient to determine the role of this variant in disease. Therefore, it has been classified as a Variant of Uncertain Significance.

NM_001005373.4(LRSAM1):c.949C>A (p.Leu317Ile)

Gene: LRSAM1 (leucine rich repeat and sterile alpha motif containing 1; plus strand). Cytogenetic location: 9q33.3.
Variant type: single nucleotide variant.
Coding change: c.949C>A on transcript NM_001005373.4 (MANE Select); coding-DNA position 949, C replaced by A.
Protein change: p.Leu317Ile; replaces leucine 317 with isoleucine.
Molecular consequence: missense variant. On other transcripts: non-coding transcript variant (2).
Genome position (GRCh38, 1-based): chr9:127,479,884, C>A. VCF-style: chr9-127479884-C-A. GRCh37 (hg19) VCF-style: chr9-130242163-C-A.
Other names: c.949C>A, p.Leu317Ile (NM_001005374.4, NM_001190723.3, NM_001384142.1 and 2 more transcripts); c.160C>A, p.Leu54Ile (NM_001384144.1); short protein forms L317I, L54I.
Identifiers: ClinVar variation 4737477 (VCV004737477.1).